The following is an entry in ClinVar:

ClinVar aggregate classification (germline): Benign/Likely benign. Review status: criteria provided, multiple submitters, no conflicts (2 of 4 stars). 3 submissions from 3 submitters: Benign (1); Likely benign (2). Last evaluated 2025-08-12.

Conditions:
Melanoma-pancreatic cancer syndrome. Identifiers: Orphanet 404560, MedGen C1838547, MONDO:0011713, OMIM 606719. Disease mechanism: loss of function.
Familial melanoma. Also called: Hereditary melanoma; Hereditary cutaneous melanoma. Identifiers: Orphanet 618, MedGen C1512419, MONDO:0018961.
Hereditary cancer-predisposing syndrome. Also called: Neoplastic Syndromes, Hereditary; Tumor predisposition; Hereditary Cancer Syndrome; Hereditary neoplastic syndrome. Identifiers: Orphanet 140162, MedGen C0027672, MeSH D009386, MONDO:0015356.

Allele frequency attached by ClinVar (database versions not stated): ExAC 0.00002.
gnomAD v4.1: 3 of 1,606,324 alleles (0.00019%); highest among the groups gnomAD compares: South Asian, 0.0011%; no homozygotes.

Submissions (3):

Myriad Genetics, Inc.
Classification: Benign for Melanoma-pancreatic cancer syndrome. Last evaluated: 2025-08-12. Review status: criteria provided, single submitter. Criteria: Myriad Autosomal Dominant, Autosomal Recessive and X-Linked Classification Criteria (2023). Collection method: clinical testing. Allele origin: unknown.
Comment: This variant is considered benign. This variant is a silent/synonymous amino acid change and it is not expected to impact splicing.

Ambry Genetics
Classification: Likely benign for Hereditary cancer-predisposing syndrome. Last evaluated: 2020-12-02. Review status: criteria provided, single submitter. Criteria: Ambry Variant Classification Scheme 2023. Collection method: clinical testing. Allele origin: germline.

Labcorp Genetics (formerly Invitae), Labcorp
Classification: Likely benign for Familial melanoma. Last evaluated: 2020-11-06. Review status: criteria provided, single submitter. Criteria: Invitae Variant Classification Sherloc (09022015). Collection method: clinical testing. Allele origin: germline.

NM_058195.4(CDKN2A):c.138G>A (p.Val46=)

Gene: CDKN2A (cyclin dependent kinase inhibitor 2A; minus strand). Cytogenetic location: 9p21.3.
Variant type: single nucleotide variant.
Coding change: c.138G>A on transcript NM_058195.4 (MANE Plus Clinical); coding-DNA position 138, G replaced by A.
Protein change: p.Val46=; no amino-acid change (valine 46 retained).
Molecular consequence: synonymous variant. On other transcripts: intron variant (1).
Genome position (GRCh38, 1-based): chr9:21,994,194, C>T on the plus strand (G>A on the coding strand, the complement: CDKN2A is on the minus strand). VCF-style: chr9-21994194-C-T. GRCh37 (hg19) VCF-style: chr9-21994193-C-T.
Other names: c.-4+627G>A (NM_001363763.2).
Identifiers: ClinVar variation 1121661 (VCV001121661.8), dbSNP rs761002695, ClinGen allele CA5012382.